The following is an entry in ClinVar:

ClinVar aggregate classification (germline): Uncertain significance (1 of 4 stars; one submission).

gnomAD v4.1: 6 of 1,613,746 alleles (0.00037%); highest among the groups gnomAD compares: South Asian, 0.0066%; no homozygotes.

Submission:

Labcorp Genetics (formerly Invitae), Labcorp
Classification: Uncertain significance. Last evaluated: 2023-02-21. Review status: criteria provided, single submitter. Criteria: Invitae Variant Classification Sherloc (09022015). Collection method: clinical testing. Allele origin: germline.
Comment: This sequence change creates a premature translational stop signal (p.Tyr153*) in the RGR gene. It is expected to result in an absent or disrupted protein product. However, the current clinical and genetic evidence is not sufficient to establish whether loss-of-function variants in RGR cause disease. This variant is present in population databases (rs1042454, gnomAD 0.02%). This variant has not been reported in the literature in individuals affected with RGR-related conditions. Algorithms developed to predict the effect of sequence changes on RNA splicing suggest that this variant may disrupt the consensus splice site. In summary, the available evidence is currently insufficient to determine the role of this variant in disease. Therefore, it has been classified as a Variant of Uncertain Significance.

NM_001012720.2(RGR):c.459C>G (p.Tyr153Ter)

Gene: RGR (retinal G protein coupled receptor; plus strand). Cytogenetic location: 10q23.1.
Variant type: single nucleotide variant.
Coding change: c.459C>G on transcript NM_001012720.2 (MANE Select); coding-DNA position 459, C replaced by G.
Protein change: p.Tyr153Ter; replaces tyrosine 153 with a stop codon.
Molecular consequence: nonsense.
Genome position (GRCh38, 1-based): chr10:84,252,957, C>G. VCF-style: chr10-84252957-C-G. GRCh37 (hg19) VCF-style: chr10-86012713-C-G.
Other names: c.459C>G, p.Tyr153Ter (NM_001012722.2); c.471C>G, p.Tyr157Ter (NM_002921.4); short protein forms Y153*, Y157*.
Identifiers: ClinVar variation 2786578 (VCV002786578.3), dbSNP rs1042454, ClinGen allele CA5581446.
Genomic context (GRCh38, chr10:84,252,957, plus strand): 5'-CTTCGTGTGGCTGTCTTCTGCCTTCTGGGCAGCTCTGCCCCTTCTGGGTTGGGGTCACTA[C>G]GACTATGAGCCACTGGGGACATGCTGCACCCTGGACTACTCCAAGGGGGACAGGTGAGGT-3'